The following is an entry in ClinVar:

ClinVar aggregate classification (germline): Uncertain significance (1 of 4 stars; one submission).

Conditions:
Primary ciliary dyskinesia. Also called: Ciliary dyskinesia. Identifiers: Orphanet 244, MedGen C0008780, MONDO:0016575, HP:0012265.

gnomAD v4.1: 8 of 1,614,192 alleles (0.0005%); highest among the groups gnomAD compares: Non-Finnish European, 0.00068%; no homozygotes.

Submission:

Labcorp Genetics (formerly Invitae), Labcorp
Classification: Uncertain significance for Primary ciliary dyskinesia. Last evaluated: 2025-11-13. Review status: criteria provided, single submitter. Criteria: Invitae Variant Classification Sherloc (09022015). Collection method: clinical testing. Allele origin: germline.
Comment: This sequence change replaces lysine, which is basic and polar, with arginine, which is basic and polar, at codon 4660 of the DNAH8 protein (p.Lys4660Arg). This variant is not present in population databases (gnomAD no frequency). This variant has not been reported in the literature in individuals affected with DNAH8-related conditions. Invitae Evidence Modeling of protein sequence and biophysical properties (such as structural, functional, and spatial information, amino acid conservation, physicochemical variation, residue mobility, and thermodynamic stability) indicates that this missense variant is not expected to disrupt DNAH8 protein function with a negative predictive value of 80%. In summary, the available evidence is currently insufficient to determine the role of this variant in disease. Therefore, it has been classified as a Variant of Uncertain Significance.

NM_001206927.2(DNAH8):c.13979A>G (p.Lys4660Arg)

Gene: DNAH8 (dynein axonemal heavy chain 8; plus strand). Cytogenetic location: 6p21.2.
Variant type: single nucleotide variant.
Coding change: c.13979A>G on transcript NM_001206927.2 (MANE Select); coding-DNA position 13979, A replaced by G.
Protein change: p.Lys4660Arg; replaces lysine 4660 with arginine.
Molecular consequence: missense variant.
Genome position (GRCh38, 1-based): chr6:39,030,247, A>G. VCF-style: chr6-39030247-A-G. GRCh37 (hg19) VCF-style: chr6-38998023-A-G.
Other names: c.13328A>G, p.Lys4443Arg (NM_001371.4); short protein forms K4443R, K4660R.
Identifiers: ClinVar variation 4750830 (VCV004750830.1).